The following is an entry in ClinVar:

ClinVar aggregate classification (germline): Conflicting classifications of pathogenicity. Review status: criteria provided, conflicting classifications (1 of 4 stars). 2 submissions from 2 submitters: Likely pathogenic (1); Uncertain significance (1). Last evaluated 2021-09-15.

Conditions:
Cardiovascular phenotype. Identifiers: MedGen CN230736.
Long QT syndrome (LQTS). Identifiers: MedGen C0023976, MeSH D008133, MONDO:0002442. Disease mechanism: loss of function. Inheritance: Various modes of inheritance.

Submissions (2):

Labcorp Genetics (formerly Invitae), Labcorp
Classification: Uncertain significance for Long QT syndrome. Last evaluated: 2021-09-15. Review status: criteria provided, single submitter. Criteria: Invitae Variant Classification Sherloc (09022015). Collection method: clinical testing. Allele origin: germline.
Comment: This missense change has been observed in individual(s) with Long QT syndrome (PMID: 23174487). This sequence change replaces proline with alanine at codon 632 of the KCNH2 protein (p.Pro632Ala). The proline residue is highly conserved and there is a small physicochemical difference between proline and alanine. This variant is not present in population databases (ExAC no frequency). Algorithms developed to predict the effect of missense changes on protein structure and function are either unavailable or do not agree on the potential impact of this missense change (SIFT: "Tolerated"; PolyPhen-2: "Probably Damaging"; Align-GVGD: "Class C0"). In summary, the available evidence is currently insufficient to determine the role of this variant in disease. Therefore, it has been classified as a Variant of Uncertain Significance.

Ambry Genetics
Classification: Likely pathogenic for Cardiovascular phenotype. Last evaluated: 2019-12-27. Review status: criteria provided, single submitter. Criteria: Ambry Variant Classification Scheme 2023. Collection method: clinical testing. Allele origin: germline.
Comment: The p.P632A variant (also known as c.1894C>G), located in coding exon 7 of the KCNH2 gene, results from a C to G substitution at nucleotide position 1894. The proline at codon 632 is replaced by alanine, an amino acid with highly similar properties, and is located in the pore region. This alteration has been detected in long QT syndrome (LQTS) cohorts, though clinical details were not provided (Goldenberg I et al. J Am Coll Cardiol. 2011;57(1):51-9; Mullally J et al. Heart Rhythm. 2013;10:378-82). Another alteration affecting this amino acid (p.P632S, c.1894C>T) has been previously reported in association with LQTS (Splawski I et al. Circulation. 2000;102(10):1178-85). In addition, internal structural analysis predicts this alteration to be structurally deleterious (Liu J et al. J Gen Physiol. 2002;120(5):723-37; Long SB et al. Nature. 2007;450(7168):376-82). This variant was not reported in population-based cohorts in the Genome Aggregation Database (gnomAD). This amino acid position is highly conserved in available vertebrate species. In addition, this alteration is predicted to be deleterious by in silico analysis. Based on the majority of available evidence to date, this variant is likely to be pathogenic.

Literature cited by the submitters: PubMed 23174487 (cited by Labcorp Genetics (formerly Invitae), Labcorp and Ambry Genetics); PubMed 10973849 (cited by Ambry Genetics); PubMed 21185501 (cited by Ambry Genetics).

NM_000238.4(KCNH2):c.1894C>G (p.Pro632Ala)

Gene: KCNH2 (potassium voltage-gated channel subfamily H member 2; minus strand). Cytogenetic location: 7q36.1.
Variant type: single nucleotide variant.
Coding change: c.1894C>G on transcript NM_000238.4 (MANE Select); coding-DNA position 1894, C replaced by G.
Protein change: p.Pro632Ala; replaces proline 632 with alanine.
Molecular consequence: missense variant.
Genome position (GRCh38, 1-based): chr7:150,951,499, G>C on the plus strand (C>G on the coding strand, the complement: KCNH2 is on the minus strand). VCF-style: chr7-150951499-G-C. GRCh37 (hg19) VCF-style: chr7-150648587-G-C.
Other names: c.874C>G, p.Pro292Ala (NM_001204798.2, NM_172057.3); c.1606C>G, p.Pro536Ala (NM_001406753.1, NM_001406756.1); c.1717C>G, p.Pro573Ala (NM_001406755.1); c.1594C>G, p.Pro532Ala (NM_001406757.1); c.1894C>G, p.Pro632Ala (NM_172056.3); short protein forms P292A, P632A, P536A, P573A, P532A.
Identifiers: ClinVar variation 1054005 (VCV001054005.10), dbSNP rs199473527, ClinGen allele CA369857887.